The following is an entry in ClinVar:

ClinVar aggregate classification (germline): Uncertain significance (1 of 4 stars; one submission).

Conditions:
Autosomal recessive polycystic kidney disease (ARPKD). Also called: AR polycystic kidney disease. Identifiers: Orphanet 731, Orphanet 8378, MedGen C0085548, MeSH D017044, MONDO:0009889.

gnomAD v4.1: 1 of 1,613,772 alleles (0.000062%); no homozygotes.

Submission:

Labcorp Genetics (formerly Invitae), Labcorp
Classification: Uncertain significance for Autosomal recessive polycystic kidney disease. Last evaluated: 2022-08-23. Review status: criteria provided, single submitter. Criteria: Invitae Variant Classification Sherloc (09022015). Collection method: clinical testing. Allele origin: germline.
Comment: In summary, the available evidence is currently insufficient to determine the role of this variant in disease. Therefore, it has been classified as a Variant of Uncertain Significance. Advanced modeling of protein sequence and biophysical properties (such as structural, functional, and spatial information, amino acid conservation, physicochemical variation, residue mobility, and thermodynamic stability) performed at Invitae indicates that this missense variant is not expected to disrupt PKHD1 protein function. ClinVar contains an entry for this variant (Variation ID: 1494517). This variant has not been reported in the literature in individuals affected with PKHD1-related conditions. This variant is not present in population databases (gnomAD no frequency). This sequence change replaces serine, which is neutral and polar, with asparagine, which is neutral and polar, at codon 1435 of the PKHD1 protein (p.Ser1435Asn).

NM_138694.4(PKHD1):c.4304G>A (p.Ser1435Asn)

Gene: PKHD1 (PKHD1 ciliary IPT domain containing fibrocystin/polyductin; minus strand). Cytogenetic location: 6p12.2.
Variant type: single nucleotide variant.
Coding change: c.4304G>A on transcript NM_138694.4 (MANE Select); coding-DNA position 4304, G replaced by A.
Protein change: p.Ser1435Asn; replaces serine 1435 with asparagine.
Molecular consequence: missense variant.
Genome position (GRCh38, 1-based): chr6:52,025,506, C>T on the plus strand (G>A on the coding strand, the complement: PKHD1 is on the minus strand). VCF-style: chr6-52025506-C-T. GRCh37 (hg19) VCF-style: chr6-51890304-C-T.
Other names: c.4304G>A, p.Ser1435Asn (NM_170724.3); short protein forms S1435N.
Identifiers: ClinVar variation 1494517 (VCV001494517.8), dbSNP rs138242579, ClinGen allele CA364434192.